The following is an entry in ClinVar:

NM_000218.3(KCNQ1):c.1394-33749C>T

Genes: KCNQ1 (potassium voltage-gated channel subfamily Q member 1; plus strand), KCNQ1OT1 (KCNQ1 opposite strand/antisense transcript 1; minus strand). Cytogenetic location: 11p15.5.
Variant type: single nucleotide variant.
Coding change: c.1394-33749C>T on transcript NM_000218.3 (MANE Select); 33749 bases into the intron before coding-DNA position 1394, C replaced by T.
Molecular consequence: intron variant. On other transcripts: non-coding transcript variant (1).
Genome position (GRCh38, 1-based): chr11:2,628,212, C>T. VCF-style: chr11-2628212-C-T. GRCh37 (hg19) VCF-style: chr11-2649442-C-T.
Other names: c.1124-33749C>T (NM_001406837.1); c.1298-33749C>T (NM_001406836.1); c.854-33749C>T (NM_001406838.1); c.1013-33749C>T (NM_181798.2).
Identifiers: ClinVar variation 4874010 (VCV004874010.2).

ClinVar aggregate classification (germline): Likely benign (1 of 4 stars; one submission).

gnomAD v4.1: 176 of 398,548 alleles (0.044%); highest among the groups gnomAD compares: African/African-American, 0.33%; no homozygotes.

Submission:

CeGaT Center for Human Genetics Tuebingen
Classification: Likely benign. Last evaluated: 2026-06-01. Review status: criteria provided, single submitter. Criteria: CeGaT Center For Human Genetics Tuebingen Variant Classification Criteria Version 2. Collection method: clinical testing. Allele origin: germline. Affected: yes. Observed: 1 variant allele.
Comment: KCNQ1OT1: BS1